The following is an entry in ClinVar:

ClinVar aggregate classification (germline): Uncertain significance (1 of 4 stars; one submission).

Conditions:
Brugada syndrome 7 (BRGDA7). Identifiers: Orphanet 130, MedGen C2751088, MONDO:0013146, OMIM 613120.

gnomAD v4.1: 1 of 1,614,192 alleles (0.000062%); highest among the groups gnomAD compares: Non-Finnish European, 0.000085%; no homozygotes.

Submission:

Labcorp Genetics (formerly Invitae), Labcorp
Classification: Uncertain significance for Brugada syndrome 7. Last evaluated: 2021-11-21. Review status: criteria provided, single submitter. Criteria: Invitae Variant Classification Sherloc (09022015). Collection method: clinical testing. Allele origin: germline.
Comment: This sequence change replaces alanine, which is neutral and non-polar, with threonine, which is neutral and polar, at codon 11 of the SCN3B protein (p.Ala11Thr). In summary, the available evidence is currently insufficient to determine the role of this variant in disease. Therefore, it has been classified as a Variant of Uncertain Significance. Algorithms developed to predict the effect of missense changes on protein structure and function (SIFT, PolyPhen-2, Align-GVGD) all suggest that this variant is likely to be tolerated. This variant has not been reported in the literature in individuals affected with SCN3B-related conditions. This variant is not present in population databases (gnomAD no frequency).

NM_001040151.2(SCN3B):c.31G>A (p.Ala11Thr)

Gene: SCN3B (sodium voltage-gated channel beta subunit 3; minus strand). Cytogenetic location: 11q24.1.
Variant type: single nucleotide variant.
Coding change: c.31G>A on transcript NM_001040151.2 (MANE Select); coding-DNA position 31, G replaced by A.
Protein change: p.Ala11Thr; replaces alanine 11 with threonine.
Molecular consequence: missense variant.
Genome position (GRCh38, 1-based): chr11:123,653,771, C>T on the plus strand (G>A on the coding strand, the complement: SCN3B is on the minus strand). VCF-style: chr11-123653771-C-T. GRCh37 (hg19) VCF-style: chr11-123524479-C-T.
Other names: c.31G>A, p.Ala11Thr (NM_018400.4); short protein forms A11T.
Identifiers: ClinVar variation 1390308 (VCV001390308.6), dbSNP rs1955959844, ClinGen allele CA383073361.